The following is an entry in ClinVar:

NM_015215.4(CAMTA1):c.1998C>G (p.Ile666Met)

Gene: CAMTA1 (calmodulin binding transcription activator 1; plus strand). Cytogenetic location: 1p36.23.
Variant type: single nucleotide variant.
Coding change: c.1998C>G on transcript NM_015215.4 (MANE Select); coding-DNA position 1998, C replaced by G.
Protein change: p.Ile666Met; replaces isoleucine 666 with methionine.
Molecular consequence: missense variant.
Genome position (GRCh38, 1-based): chr1:7,664,545, C>G. VCF-style: chr1-7664545-C-G. GRCh37 (hg19) VCF-style: chr1-7724605-C-G.
Other names: c.1908C>G, p.Ile636Met (NM_001349608.2, NM_001349612.2); c.1998C>G, p.Ile666Met (NM_001349609.2, NM_001349610.2); short protein forms I666M, I636M.
Identifiers: ClinVar variation 730371 (VCV000730371.42), dbSNP rs141192116, ClinGen allele CA566548.

ClinVar aggregate classification (germline): Benign/Likely benign. Review status: criteria provided, multiple submitters, no conflicts (2 of 4 stars). 3 submissions from 3 submitters: Benign (1); Likely benign (1). 1 of the submissions does not count toward it. Last evaluated 2025-10-02.

Conditions:
CAMTA1-related disorder. Also called: CAMTA1-related condition.

Allele frequency attached by ClinVar (database versions not stated): 1000 Genomes Project 30x 0.00016; 1000 Genomes Project 0.00020; TOPMed 0.00026; ESP Exome Variant Server 0.00031.
gnomAD v4.1: 829 of 1,613,218 alleles (0.051%); highest among the groups gnomAD compares: Non-Finnish European, 0.066%; 3 homozygotes.

Submissions (3):

Labcorp Genetics (formerly Invitae), Labcorp
Classification: Benign. Last evaluated: 2025-10-02. Review status: criteria provided, single submitter. Criteria: Invitae Variant Classification Sherloc (09022015). Collection method: clinical testing. Allele origin: germline.

CeGaT Center for Human Genetics Tuebingen
Classification: Likely benign. Last evaluated: 2023-11-01. Review status: criteria provided, single submitter. Criteria: CeGaT Center For Human Genetics Tuebingen Variant Classification Criteria Version 2. Collection method: clinical testing. Allele origin: germline. Affected: yes. Observed: 3 variant alleles.
Comment: CAMTA1: PP2, BP4, BS2

PreventionGenetics, part of Exact Sciences
Classification: Likely benign for CAMTA1-related condition. Last evaluated: 2022-07-19. Review status: no assertion criteria provided. Collection method: clinical testing. Allele origin: germline. Not counted in ClinVar's aggregate classification.
Comment: This variant is classified as likely benign based on ACMG/AMP sequence variant interpretation guidelines (Richards et al. 2015 PMID: 25741868, with internal and published modifications).